The following is an entry in ClinVar:

NM_017986.4(SLC52A1):c.866C>T (p.Thr289Ile)

Gene: SLC52A1 (solute carrier family 52 member 1; minus strand). Cytogenetic location: 17p13.2.
Variant type: single nucleotide variant.
Coding change: c.866C>T on transcript NM_017986.4 (MANE Select); coding-DNA position 866, C replaced by T.
Protein change: p.Thr289Ile; replaces threonine 289 with isoleucine.
Molecular consequence: missense variant.
Genome position (GRCh38, 1-based): chr17:5,033,623, G>A on the plus strand (C>T on the coding strand, the complement: SLC52A1 is on the minus strand). VCF-style: chr17-5033623-G-A. GRCh37 (hg19) VCF-style: chr17-4936918-G-A.
Other names: c.866C>T, p.Thr289Ile (NM_001104577.2); short protein forms T289I.
Identifiers: ClinVar variation 1006129 (VCV001006129.10), dbSNP rs1975375799, ClinGen allele CA397327983.

ClinVar aggregate classification (germline): Uncertain significance (1 of 4 stars; one submission).

Conditions:
Vitamin B2 deficiency. Identifiers: MedGen C0035528.

Allele frequency attached by ClinVar (database versions not stated): gnomAD exomes below 0.00001.
gnomAD v4.1: 2 of 1,614,064 alleles (0.00012%); highest among the groups gnomAD compares: Admixed American, 0.0017%; no homozygotes.

Submission:

Labcorp Genetics (formerly Invitae), Labcorp
Classification: Uncertain significance for Vitamin B2 deficiency. Last evaluated: 2023-11-20. Review status: criteria provided, single submitter. Criteria: Invitae Variant Classification Sherloc (09022015). Collection method: clinical testing. Allele origin: germline.
Comment: This sequence change replaces threonine, which is neutral and polar, with isoleucine, which is neutral and non-polar, at codon 289 of the SLC52A1 protein (p.Thr289Ile). This variant is not present in population databases (gnomAD no frequency). This variant has not been reported in the literature in individuals affected with SLC52A1-related conditions. ClinVar contains an entry for this variant (Variation ID: 1006129). Advanced modeling of protein sequence and biophysical properties (such as structural, functional, and spatial information, amino acid conservation, physicochemical variation, residue mobility, and thermodynamic stability) performed at Invitae indicates that this missense variant is not expected to disrupt SLC52A1 protein function with a negative predictive value of 80%. In summary, the available evidence is currently insufficient to determine the role of this variant in disease. Therefore, it has been classified as a Variant of Uncertain Significance.